The following is an entry in ClinVar:

ClinVar aggregate classification (germline): Pathogenic (1 of 4 stars; one submission).

Conditions:
CETP-related disorder. Also called: CETP-related condition.

gnomAD v4.1: 16 of 1,613,358 alleles (0.00099%); highest among the groups gnomAD compares: Middle Eastern, 0.016%; no homozygotes.

Submission:

PreventionGenetics, part of Exact Sciences
Classification: Pathogenic for CETP-related condition. Last evaluated: 2025-08-12. Review status: criteria provided, single submitter. Criteria: ACMG Guidelines, 2015. Collection method: clinical testing. Allele origin: germline.
Comment: The CETP c.222T>G variant is predicted to result in premature protein termination (p.Tyr74*). This variant has been reported in individuals with cholesterol ester transfer protein deficiency (Ritsch et al. 1997. PubMed ID: 9437190; Lu et al. 2017. PubMed ID: 29083407). This variant is reported in 0.0035% of alleles in individuals of European (Non-Finnish) descent in gnomAD. Nonsense variants in CETP are expected to be pathogenic. This variant is interpreted as pathogenic.

NM_000078.3(CETP):c.222T>G (p.Tyr74Ter)

Gene: CETP (cholesteryl ester transfer protein; plus strand). Cytogenetic location: 16q13.
Variant type: single nucleotide variant.
Coding change: c.222T>G on transcript NM_000078.3 (MANE Select); coding-DNA position 222, T replaced by G.
Protein change: p.Tyr74Ter; replaces tyrosine 74 with a stop codon.
Molecular consequence: nonsense.
Genome position (GRCh38, 1-based): chr16:56,963,113, T>G. VCF-style: chr16-56963113-T-G. GRCh37 (hg19) VCF-style: chr16-56997025-T-G.
Other names: c.222T>G, p.Tyr74Ter (NM_001286085.2); short protein forms Y74*.
Identifiers: ClinVar variation 4977743 (VCV004977743.1).